The following is an entry in ClinVar:

NM_001267550.2(TTN):c.*59G>A

Genes: TTN (titin; minus strand), TTN-AS1 (TTN antisense RNA 1; plus strand). Cytogenetic location: 2q31.2.
Variant type: single nucleotide variant.
Coding change: c.*59G>A on transcript NM_001267550.2 (MANE Select); 59 bases downstream of the stop codon, G replaced by A.
Molecular consequence: 3 prime UTR variant.
Genome position (GRCh38, 1-based): chr2:178,526,953, C>T on the plus strand (G>A on the coding strand, the complement: TTN is on the minus strand). VCF-style: chr2-178526953-C-T. GRCh37 (hg19) VCF-style: chr2-179391680-C-T.
Other names: c.*59G>A (NM_133378.4, NM_001256850.1, NM_003319.4 and 2 more transcripts).
Identifiers: ClinVar variation 332675 (VCV000332675.5), dbSNP rs72629795, ClinGen allele CA10612995.

ClinVar aggregate classification (germline): Conflicting classifications of pathogenicity. Review status: criteria provided, conflicting classifications (1 of 4 stars). 5 submissions from 1 submitter: Uncertain significance (3); Benign (2). Last evaluated 2018-01-12.

Conditions:
Early-onset myopathy with fatal cardiomyopathy (CMYO5). Also called: CONGENITAL MYOPATHY 5 WITH CARDIOMYOPATHY; Salih Myopathy. Identifiers: Orphanet 289377, MedGen C2673677, MONDO:0012714, OMIM 611705. Disease mechanism: loss of function.
Autosomal recessive limb-girdle muscular dystrophy type 2J (LGMDR10). Also called: MUSCULAR DYSTROPHY, LIMB-GIRDLE, AUTOSOMAL RECESSIVE 10; Limb-girdle muscular dystrophy, type 2J. Identifiers: Orphanet 140922, MedGen C1837342, MONDO:0012127, OMIM 608807.
Tibial muscular dystrophy (TMD). Also called: Udd Distal Myopathy – Tibial Muscular Dystrophy; UDD MYOPATHY; Tibial muscular dystrophy, tardive. Identifiers: Orphanet 609, MedGen C1838244, MONDO:0010870, OMIM 600334.
Dilated cardiomyopathy 1G (CMD1G). Identifiers: Orphanet 154, MedGen C1858763, MONDO:0011400, OMIM 604145.
Myopathy, myofibrillar, 9, with early respiratory failure (MFM9). Also called: Myopathy, distal, with early respiratory failure, autosomal dominant; Hereditary myopathy with early respiratory failure; EDSTROM MYOPATHY; MYOPATHY, PROXIMAL, WITH EARLY RESPIRATORY MUSCLE INVOLVEMENT. Identifiers: Orphanet 178464, Orphanet 34521, MedGen C1863599, MONDO:0011362, OMIM 603689.

Allele frequency attached by ClinVar (database versions not stated): gnomAD 0.00025; TOPMed 0.00031; gnomAD exomes 0.00064; 1000 Genomes Project 30x 0.00141; 1000 Genomes Project 0.00160.
gnomAD v4.1: 885 of 1,404,342 alleles (0.063%); highest among the groups gnomAD compares: South Asian, 0.63%; 12 homozygotes.

Submissions (5):

Illumina Laboratory Services, Illumina
Classification: Uncertain significance for Dilated cardiomyopathy 1G. Last evaluated: 2018-01-12. Review status: criteria provided, single submitter. Criteria: ICSL Variant Classification Criteria 13 December 2019. Collection method: clinical testing. Allele origin: germline.

Illumina Laboratory Services, Illumina
Classification: Benign for Tibial muscular dystrophy. Last evaluated: 2018-01-12. Review status: criteria provided, single submitter. Criteria: ICSL Variant Classification Criteria 13 December 2019. Collection method: clinical testing. Allele origin: germline.
Comment: This variant was observed in the ICSL laboratory as part of a predisposition screen in an ostensibly healthy population. It had not been previously curated by ICSL or reported in the Human Gene Mutation Database (HGMD: prior to June 1st, 2018), and was therefore a candidate for classification through an automated scoring system. Utilizing variant allele frequency, disease prevalence and penetrance estimates, and inheritance mode, an automated score was calculated to assess if this variant is too frequent to cause the disease. Based on the score and internal cut-off values, a variant classified as benign is not then subjected to further curation. The score for this variant resulted in a classification of benign for this disease.

Illumina Laboratory Services, Illumina
Classification: Uncertain significance for Autosomal recessive limb-girdle muscular dystrophy type 2J. Last evaluated: 2018-01-12. Review status: criteria provided, single submitter. Criteria: ICSL Variant Classification Criteria 13 December 2019. Collection method: clinical testing. Allele origin: germline.

Illumina Laboratory Services, Illumina
Classification: Uncertain significance for Early-onset myopathy with fatal cardiomyopathy. Last evaluated: 2018-01-12. Review status: criteria provided, single submitter. Criteria: ICSL Variant Classification Criteria 13 December 2019. Collection method: clinical testing. Allele origin: germline.

Illumina Laboratory Services, Illumina
Classification: Benign for Myopathy, myofibrillar, 9, with early respiratory failure. Last evaluated: 2018-01-12. Review status: criteria provided, single submitter. Criteria: ICSL Variant Classification Criteria 13 December 2019. Collection method: clinical testing. Allele origin: germline.
Comment: the same text as in the submission from Illumina Laboratory Services, Illumina above.